The following is an entry in ClinVar:

NM_006306.4(SMC1A):c.52C>T (p.Arg18Ter)

Gene: SMC1A (structural maintenance of chromosomes 1A; minus strand). Cytogenetic location: Xp11.22.
Variant type: single nucleotide variant.
Coding change: c.52C>T on transcript NM_006306.4 (MANE Select); coding-DNA position 52, C replaced by T.
Protein change: p.Arg18Ter; replaces arginine 18 with a stop codon.
Molecular consequence: nonsense. On other transcripts: 5 prime UTR variant (1).
Genome position (GRCh38, 1-based): chrX:53,422,549, G>A on the plus strand (C>T on the coding strand, the complement: SMC1A is on the minus strand). VCF-style: chrX-53422549-G-A. GRCh37 (hg19) VCF-style: chrX-53449498-G-A.
Other names: c.-161C>T (NM_001281463.1); short protein forms R18*.
Identifiers: ClinVar variation 2884107 (VCV002884107.3), dbSNP rs2521010322, ClinGen allele CA413135515.

ClinVar aggregate classification (germline): Pathogenic (1 of 4 stars; one submission).

Conditions:
Congenital muscular hypertrophy-cerebral syndrome (CDLS2). Also called: SMC1A-Related Cornelia de Lange Syndrome; Cornelia de Lange syndrome 2. Identifiers: Orphanet 199, MedGen C1802395, MONDO:0010370, OMIM 300590.

Submission:

Labcorp Genetics (formerly Invitae), Labcorp
Classification: Pathogenic for Congenital muscular hypertrophy-cerebral syndrome. Last evaluated: 2023-06-05. Review status: criteria provided, single submitter. Criteria: Invitae Variant Classification Sherloc (09022015). Collection method: clinical testing. Allele origin: germline.
Comment: For these reasons, this variant has been classified as Pathogenic. This premature translational stop signal has been observed in individual(s) with SMC1A-related conditions (PMID: 30008475). This variant is not present in population databases (gnomAD no frequency). This sequence change creates a premature translational stop signal (p.Arg18*) in the SMC1A gene. It is expected to result in an absent or disrupted protein product. Loss-of-function variants in SMC1A are known to be pathogenic (PMID: 26386245, 27334371, 28166369, 28548707, 31334757).

Literature cited by the submitters: PubMed 30008475; PubMed 26386245; PubMed 27334371; PubMed 28166369; PubMed 28548707; PubMed 31334757.